The following is an entry in ClinVar:

NM_000222.3(KIT):c.2595A>C (p.Leu865Phe)

Gene: KIT (KIT proto-oncogene, receptor tyrosine kinase; plus strand). Cytogenetic location: 4q12.
Variant type: single nucleotide variant.
Coding change: c.2595A>C on transcript NM_000222.3 (MANE Select); coding-DNA position 2595, A replaced by C.
Protein change: p.Leu865Phe; replaces leucine 865 with phenylalanine.
Molecular consequence: missense variant.
Genome position (GRCh38, 1-based): chr4:54,736,608, A>C. VCF-style: chr4-54736608-A-C. GRCh37 (hg19) VCF-style: chr4-55602774-A-C.
Other names: c.2583A>C, p.Leu861Phe (NM_001093772.2, NM_001385292.1); c.2598A>C, p.Leu866Phe (NM_001385284.1); c.2592A>C, p.Leu864Phe (NM_001385285.1); c.2580A>C, p.Leu860Phe (NM_001385286.1); c.2586A>C, p.Leu862Phe (NM_001385288.1); c.2595A>C, p.Leu865Phe (NM_001385290.1); short protein forms L860F, L861F, L862F, L864F, L865F, L866F.
Identifiers: ClinVar variation 3371112 (VCV003371112.1).

ClinVar aggregate classification (germline): Uncertain significance (1 of 4 stars; one submission).

Submission:

GeneDx
Classification: Uncertain significance. Last evaluated: 2024-03-18. Review status: criteria provided, single submitter. Criteria: GeneDx Variant Classification Process June 2021. Collection method: clinical testing. Allele origin: germline. Affected: yes.
Comment: Not observed at significant frequency in large population cohorts (gnomAD); In silico analysis supports that this missense variant has a deleterious effect on protein structure/function; Has not been previously published as pathogenic or benign to our knowledge; In silico analysis is inconclusive as to whether the variant alters gene splicing. In the absence of RNA/functional studies, the actual effect of this sequence change is unknown.